The following is an entry in ClinVar:

ClinVar aggregate classification (germline): Uncertain significance. Review status: criteria provided, multiple submitters, no conflicts (2 of 4 stars). 2 submissions from 2 submitters: Uncertain significance (2). Last evaluated 2024-11-24.

Conditions:
Baller-Gerold syndrome (BGS). Also called: CRANIOSYNOSTOSIS WITH RADIAL DEFECTS. Identifiers: Orphanet 1225, MedGen C0265308, MONDO:0009039, OMIM 218600.
Inborn genetic diseases. Identifiers: MedGen C0950123, MeSH D030342.

Allele frequency attached by ClinVar (database versions not stated): gnomAD exomes below 0.00001; TOPMed below 0.00001.
gnomAD v4.1: 5 of 1,611,334 alleles (0.00031%); highest among the groups gnomAD compares: South Asian, 0.0011%; no homozygotes.

Submissions (2):

Ambry Genetics
Classification: Uncertain significance for Inborn genetic diseases. Last evaluated: 2024-11-24. Review status: criteria provided, single submitter. Criteria: Ambry Variant Classification Scheme 2023. Collection method: clinical testing. Allele origin: germline.
Comment: The p.R365W variant (also known as c.1093C>T), located in coding exon 5 of the RECQL4 gene, results from a C to T substitution at nucleotide position 1093. The arginine at codon 365 is replaced by tryptophan, an amino acid with dissimilar properties. This amino acid position is conserved. In addition, this alteration is predicted to be tolerated by in silico analysis. Based on the available evidence, the clinical significance of this variant remains unclear.

Labcorp Genetics (formerly Invitae), Labcorp
Classification: Uncertain significance for Baller-Gerold syndrome. Last evaluated: 2023-07-19. Review status: criteria provided, single submitter. Criteria: Invitae Variant Classification Sherloc (09022015). Collection method: clinical testing. Allele origin: germline.
Comment: ClinVar contains an entry for this variant (Variation ID: 1450308). This sequence change replaces arginine, which is basic and polar, with tryptophan, which is neutral and slightly polar, at codon 365 of the RECQL4 protein (p.Arg365Trp). This variant is present in population databases (no rsID available, gnomAD 0.0009%). This variant has not been reported in the literature in individuals affected with RECQL4-related conditions. Advanced modeling of protein sequence and biophysical properties (such as structural, functional, and spatial information, amino acid conservation, physicochemical variation, residue mobility, and thermodynamic stability) performed at Invitae indicates that this missense variant is not expected to disrupt RECQL4 protein function. In summary, the available evidence is currently insufficient to determine the role of this variant in disease. Therefore, it has been classified as a Variant of Uncertain Significance.

NM_004260.4(RECQL4):c.1093C>T (p.Arg365Trp)

Gene: RECQL4 (RecQ like helicase 4; minus strand). Cytogenetic location: 8q24.3.
Variant type: single nucleotide variant.
Coding change: c.1093C>T on transcript NM_004260.4 (MANE Select); coding-DNA position 1093, C replaced by T.
Protein change: p.Arg365Trp; replaces arginine 365 with tryptophan.
Molecular consequence: missense variant.
Genome position (GRCh38, 1-based): chr8:144,516,026, G>A on the plus strand (C>T on the coding strand, the complement: RECQL4 is on the minus strand). VCF-style: chr8-144516026-G-A. GRCh37 (hg19) VCF-style: chr8-145741410-G-A.
Other names: c.1093C>T (NM_004260.3); short protein forms R365W.
Identifiers: ClinVar variation 1450308 (VCV001450308.7), dbSNP rs1220847881, ClinGen allele CA372688071.